The following is an entry in ClinVar:

ClinVar aggregate classification (germline): Uncertain significance (1 of 4 stars; one submission).

Conditions:
Cenani-Lenz syndactyly syndrome. Also called: SYNDACTYLY, TYPE VII; CENANI SYNDACTYLISM. Identifiers: Orphanet 3258, MedGen C1859309, MONDO:0008931, OMIM 212780.
Sclerosteosis 2 (SOST2). Identifiers: Orphanet 3152, MedGen C3280402, MONDO:0013679, OMIM 614305.
Congenital myasthenic syndrome 17. Identifiers: Orphanet 590, MedGen C4225377, MONDO:0014578, OMIM 616304.

Allele frequency attached by ClinVar (database versions not stated): gnomAD exomes below 0.00001; gnomAD 0.00001; TOPMed 0.00001.
gnomAD v4.1: 4 of 1,613,538 alleles (0.00025%); highest among the groups gnomAD compares: African/African-American, 0.0053%; no homozygotes.

Submission:

Labcorp Genetics (formerly Invitae), Labcorp
Classification: Uncertain significance for Cenani-Lenz syndactyly syndrome; Sclerosteosis 2; Congenital myasthenic syndrome 17. Last evaluated: 2021-03-24. Review status: criteria provided, single submitter. Criteria: Invitae Variant Classification Sherloc (09022015). Collection method: clinical testing. Allele origin: germline.
Comment: In summary, the available evidence is currently insufficient to determine the role of this variant in disease. Therefore, it has been classified as a Variant of Uncertain Significance. Algorithms developed to predict the effect of sequence changes on RNA splicing suggest that this variant is not likely to affect RNA splicing, but this prediction has not been confirmed by published transcriptional studies. This variant has not been reported in the literature in individuals with LRP4-related conditions. This variant is not present in population databases (ExAC no frequency). This sequence change affects codon 143 of the LRP4 mRNA. It is a 'silent' change, meaning that it does not change the encoded amino acid sequence of the LRP4 protein. It affects a nucleotide within the consensus splice site of the intron.

NM_002334.4(LRP4):c.429T>C (p.Cys143=)

Gene: LRP4 (LDL receptor related protein 4; minus strand). Cytogenetic location: 11p11.2.
Variant type: single nucleotide variant.
Coding change: c.429T>C on transcript NM_002334.4 (MANE Select); coding-DNA position 429, T replaced by C.
Protein change: p.Cys143=; no amino-acid change (cysteine 143 retained).
Molecular consequence: synonymous variant.
Genome position (GRCh38, 1-based): chr11:46,899,864, A>G on the plus strand (T>C on the coding strand, the complement: LRP4 is on the minus strand). VCF-style: chr11-46899864-A-G. GRCh37 (hg19) VCF-style: chr11-46921415-A-G.
Identifiers: ClinVar variation 1502386 (VCV001502386.6), dbSNP rs1486932718, ClinGen allele CA474206417.